The following is an entry in ClinVar:

ClinVar aggregate classification (germline): Uncertain significance (1 of 4 stars; one submission).

Submission:

Labcorp Genetics (formerly Invitae), Labcorp
Classification: Uncertain significance. Last evaluated: 2022-09-01. Review status: criteria provided, single submitter. Criteria: Invitae Variant Classification Sherloc (09022015). Collection method: clinical testing. Allele origin: germline.
Comment: Algorithms developed to predict the effect of missense changes on protein structure and function are either unavailable or do not agree on the potential impact of this missense change (SIFT: "Deleterious"; PolyPhen-2: "Probably Damaging"; Align-GVGD: "Class C0"). Algorithms developed to predict the effect of sequence changes on RNA splicing suggest that this variant may create or strengthen a splice site. In summary, the available evidence is currently insufficient to determine the role of this variant in disease. Therefore, it has been classified as a Variant of Uncertain Significance. ClinVar contains an entry for this variant (Variation ID: 1390497). This sequence change replaces methionine, which is neutral and non-polar, with isoleucine, which is neutral and non-polar, at codon 65 of the RP1L1 protein (p.Met65Ile). This variant is present in population databases (rs765948539, gnomAD 0.0009%). This variant has not been reported in the literature in individuals affected with RP1L1-related conditions.

NM_178857.6(RP1L1):c.195G>A (p.Met65Ile)

Gene: RP1L1 (RP1 like 1). Cytogenetic location: 8p23.1.
Variant type: single nucleotide variant.
Coding change: c.195G>A on transcript NM_178857.6 (MANE Select); coding-DNA position 195, G replaced by A.
Protein change: p.Met65Ile; replaces methionine 65 with isoleucine.
Molecular consequence: missense variant.
Genome position (GRCh38, 1-based): chr8:10,623,007, C>T on the plus strand (G>A on the coding strand, the complement: RP1L1 is on the minus strand). VCF-style: chr8-10623007-C-T. GRCh37 (hg19) VCF-style: chr8-10480517-C-T.
Other names: short protein forms M65I.
Identifiers: ClinVar variation 1390497 (VCV001390497.6), dbSNP rs765948539, ClinGen allele CA4625827.